The following is an entry in ClinVar:

ClinVar aggregate classification (germline): Uncertain significance (1 of 4 stars; one submission).

Conditions:
Dilated cardiomyopathy 1JJ (CMD1JJ). Identifiers: Orphanet 154, MedGen C3808935, MONDO:0014095, OMIM 615235.

Submission:

Labcorp Genetics (formerly Invitae), Labcorp
Classification: Uncertain significance for Dilated cardiomyopathy 1JJ. Last evaluated: 2022-04-10. Review status: criteria provided, single submitter. Criteria: Invitae Variant Classification Sherloc (09022015). Collection method: clinical testing. Allele origin: germline.
Comment: In summary, the available evidence is currently insufficient to determine the role of this variant in disease. Therefore, it has been classified as a Variant of Uncertain Significance. Algorithms developed to predict the effect of sequence changes on RNA splicing suggest that this variant may create or strengthen a splice site. This variant has not been reported in the literature in individuals affected with LAMA4-related conditions. This variant is not present in population databases (gnomAD no frequency). This sequence change falls in intron 13 of the LAMA4 gene. It does not directly change the encoded amino acid sequence of the LAMA4 protein.

NM_001105206.3(LAMA4):c.1669-16A>G

Gene: LAMA4 (laminin subunit alpha 4; minus strand). Cytogenetic location: 6q21.
Variant type: single nucleotide variant.
Coding change: c.1669-16A>G on transcript NM_001105206.3 (MANE Select); 16 bases into the intron before coding-DNA position 1669, A replaced by G.
Molecular consequence: intron variant.
Genome position (GRCh38, 1-based): chr6:112,158,896, T>C on the plus strand (A>G on the coding strand, the complement: LAMA4 is on the minus strand). VCF-style: chr6-112158896-T-C. GRCh37 (hg19) VCF-style: chr6-112480098-T-C.
Other names: c.1648-16A>G (NM_002290.5, NM_001105207.3).
Identifiers: ClinVar variation 2123992 (VCV002123992.4), dbSNP rs1405585293, ClinGen allele CA2580074791.